The following is an entry in ClinVar:

NM_139318.5(KCNH5):c.2018G>A (p.Arg673Gln)

Gene: KCNH5 (potassium voltage-gated channel subfamily H member 5; minus strand). Cytogenetic location: 14q23.2.
Variant type: single nucleotide variant.
Coding change: c.2018G>A on transcript NM_139318.5 (MANE Select); coding-DNA position 2018, G replaced by A.
Protein change: p.Arg673Gln; replaces arginine 673 with glutamine.
Molecular consequence: missense variant. On other transcripts: intron variant (1).
Genome position (GRCh38, 1-based): chr14:62,779,729, C>T on the plus strand (G>A on the coding strand, the complement: KCNH5 is on the minus strand). VCF-style: chr14-62779729-C-T. GRCh37 (hg19) VCF-style: chr14-63246447-C-T.
Other names: c.1822+22600G>A (NM_172375.3); short protein forms R673Q.
Identifiers: ClinVar variation 2110445 (VCV002110445.4), dbSNP rs764827405, ClinGen allele CA7217368.
Genomic context (GRCh38, chr14:62,779,729, plus strand): 5'-GAGCTGAATTAATTAATACTCTGGACACTAATAAGAAAAAGCAGACCCAGAGAACATACC[C>T]GTTTCCTCAGATTGCAAGTAAGAGTGAGATTCCTTGAGAAGGAGTTTGCAAAAGCTGTAT-3'
Protein context (NP_647479.2, residues 663-683): NLTLTCNLRK[Arg673Gln]IIFRKISDVK

ClinVar aggregate classification (germline): Uncertain significance (1 of 4 stars; one submission).

Conditions:
Early-infantile DEE. Also called: Early infantile epileptic encephalopathy; Early infantile epileptic encephalopathy with suppression bursts; Ohtahara syndrome. Identifiers: Orphanet 1934, MedGen C0393706, MONDO:0800491.

Allele frequency attached by ClinVar (database versions not stated): gnomAD exomes below 0.00001; ExAC 0.00001; gnomAD 0.00001; TOPMed 0.00003.
gnomAD v4.1: 8 of 1,611,528 alleles (0.0005%); highest among the groups gnomAD compares: Admixed American, 0.0067%; no homozygotes.

Submission:

Labcorp Genetics (formerly Invitae), Labcorp
Classification: Uncertain significance for Early-infantile DEE. Last evaluated: 2022-03-12. Review status: criteria provided, single submitter. Criteria: Invitae Variant Classification Sherloc (09022015). Collection method: clinical testing. Allele origin: germline.
Comment: This variant has not been reported in the literature in individuals affected with KCNH5-related conditions. This sequence change replaces arginine, which is basic and polar, with glutamine, which is neutral and polar, at codon 673 of the KCNH5 protein (p.Arg673Gln). This variant is present in population databases (rs764827405, gnomAD 0.007%). Algorithms developed to predict the effect of missense changes on protein structure and function are either unavailable or do not agree on the potential impact of this missense change (SIFT: "Deleterious"; PolyPhen-2: "Benign"; Align-GVGD: "Class C35"). In summary, the available evidence is currently insufficient to determine the role of this variant in disease. Therefore, it has been classified as a Variant of Uncertain Significance.